The following is an entry in ClinVar:

ClinVar aggregate classification (germline): Likely benign (1 of 4 stars; one submission).

Allele frequency attached by ClinVar (database versions not stated): gnomAD 0.00001; TOPMed 0.00001.
gnomAD v4.1: 13 of 1,207,233 alleles (0.0011%); highest among the groups gnomAD compares: East Asian, 0.0059%; no homozygotes.

Submission:

CeGaT Center for Human Genetics Tuebingen
Classification: Likely benign. Last evaluated: 2024-06-01. Review status: criteria provided, single submitter. Criteria: CeGaT Center For Human Genetics Tuebingen Variant Classification Criteria Version 2. Collection method: clinical testing. Allele origin: germline. Affected: yes. Observed: 1 variant allele.
Comment: HDAC6: BS2

NM_006044.4(HDAC6):c.1670G>A (p.Arg557Gln)

Gene: HDAC6 (histone deacetylase 6; plus strand). Cytogenetic location: Xp11.23.
Variant type: single nucleotide variant.
Coding change: c.1670G>A on transcript NM_006044.4 (MANE Select); coding-DNA position 1670, G replaced by A.
Protein change: p.Arg557Gln; replaces arginine 557 with glutamine.
Molecular consequence: missense variant. On other transcripts: non-coding transcript variant (1).
Genome position (GRCh38, 1-based): chrX:48,816,512, G>A. VCF-style: chrX-48816512-G-A. GRCh37 (hg19) VCF-style: chrX-48674919-G-A.
Other names: c.1712G>A, p.Arg571Gln (NM_001321225.2); c.1670G>A, p.Arg557Gln (NM_001321226.2, NM_001321227.2, NM_001321228.2 and 1 more transcripts); short protein forms R557Q, R571Q.
Identifiers: ClinVar variation 3250831 (VCV003250831.18), dbSNP rs1557027713.